The following is an entry in ClinVar:

NM_000135.4(FANCA):c.1353G>A (p.Trp451Ter)

Gene: FANCA (FA complementation group A; minus strand). Cytogenetic location: 16q24.3.
Variant type: single nucleotide variant.
Coding change: c.1353G>A on transcript NM_000135.4 (MANE Select); coding-DNA position 1353, G replaced by A.
Protein change: p.Trp451Ter; replaces tryptophan 451 with a stop codon.
Molecular consequence: nonsense.
Genome position (GRCh38, 1-based): chr16:89,791,409, C>T on the plus strand (G>A on the coding strand, the complement: FANCA is on the minus strand). VCF-style: chr16-89791409-C-T. GRCh37 (hg19) VCF-style: chr16-89857817-C-T.
Other names: c.1353G>A, p.Trp451Ter (NM_001286167.3); short protein forms W451*.
Identifiers: ClinVar variation 1454651 (VCV001454651.6), dbSNP rs2143525603, ClinGen allele CA397463610.
Genomic context (GRCh38, chr16:89,791,409, plus strand): 5'-CCCAGGCCTTCTGGGAAGATCAGGTATTAGGTAGCCGATTGGCAGGTCACTTACCTTGAA[C>T]CAGTCTGCATATGACAGGAACGCAGAGGGGCCCTCCAGTGCTGCCTGGCGCACAACCAGG-3'

ClinVar aggregate classification (germline): Pathogenic (1 of 4 stars; one submission).

Conditions:
Fanconi anemia (FA). Also called: Fanconi's anemia. Identifiers: Orphanet 84, MedGen C0015625, MeSH D005199, MONDO:0019391.

Submission:

Labcorp Genetics (formerly Invitae), Labcorp
Classification: Pathogenic for Fanconi anemia. Last evaluated: 2021-11-27. Review status: criteria provided, single submitter. Criteria: Invitae Variant Classification Sherloc (09022015). Collection method: clinical testing. Allele origin: germline.
Comment: This sequence change creates a premature translational stop signal (p.Trp451*) in the FANCA gene. It is expected to result in an absent or disrupted protein product. Loss-of-function variants in FANCA are known to be pathogenic (PMID: 19367192). For these reasons, this variant has been classified as Pathogenic. This variant has not been reported in the literature in individuals affected with FANCA-related conditions. This variant is not present in population databases (gnomAD no frequency).

Literature cited by the submitters: PubMed 19367192.